The following is an entry in ClinVar:

ClinVar aggregate classification (germline): Uncertain significance. Review status: criteria provided, multiple submitters, no conflicts (2 of 4 stars). 2 submissions from 2 submitters: Uncertain significance (2). Last evaluated 2025-08-01.

Conditions:
Inborn genetic diseases. Identifiers: MedGen C0950123, MeSH D030342.

Submissions (2):

Ambry Genetics
Classification: Uncertain significance for Inborn genetic diseases. Last evaluated: 2025-08-01. Review status: criteria provided, single submitter. Criteria: Ambry Variant Classification Scheme 2023. Collection method: clinical testing. Allele origin: germline.

Labcorp Genetics (formerly Invitae), Labcorp
Classification: Uncertain significance. Last evaluated: 2024-11-18. Review status: criteria provided, single submitter. Criteria: Invitae Variant Classification Sherloc (09022015). Collection method: clinical testing. Allele origin: germline.
Comment: This sequence change replaces glycine, which is neutral and non-polar, with valine, which is neutral and non-polar, at codon 1180 of the SETBP1 protein (p.Gly1180Val). This variant is not present in population databases (gnomAD no frequency). This variant has not been reported in the literature in individuals affected with SETBP1-related conditions. ClinVar contains an entry for this variant (Variation ID: 2156090). Invitae Evidence Modeling of protein sequence and biophysical properties (such as structural, functional, and spatial information, amino acid conservation, physicochemical variation, residue mobility, and thermodynamic stability) indicates that this missense variant is not expected to disrupt SETBP1 protein function with a negative predictive value of 80%. In summary, the available evidence is currently insufficient to determine the role of this variant in disease. Therefore, it has been classified as a Variant of Uncertain Significance.

NM_015559.3(SETBP1):c.3539G>T (p.Gly1180Val)

Gene: SETBP1 (SET binding protein 1; plus strand). Cytogenetic location: 18q12.3.
Variant type: single nucleotide variant.
Coding change: c.3539G>T on transcript NM_015559.3 (MANE Select); coding-DNA position 3539, G replaced by T.
Protein change: p.Gly1180Val; replaces glycine 1180 with valine.
Molecular consequence: missense variant.
Genome position (GRCh38, 1-based): chr18:44,952,879, G>T. VCF-style: chr18-44952879-G-T. GRCh37 (hg19) VCF-style: chr18-42532844-G-T.
Other names: c.3539G>T, p.Gly1180Val (NM_001379141.1, NM_001379142.1, NM_001410862.1); c.3539G>T (NM_015559.2); short protein forms G1180V.
Identifiers: ClinVar variation 2156090 (VCV002156090.5), dbSNP rs768609937, ClinGen allele CA8945922.
Genomic context (GRCh38, chr18:44,952,879, plus strand): 5'-AAGACCGGATCCTAGGGACCCATGACAACCTGAGTGGTCTTTTTGCAGGCAAAGCCACAG[G>T]CTTCTCCAGCCACATCCTGAGCGAGCGGCTGAGTAGCGCAGACAAAGAGCTCCCGCTGGT-3'
Protein context (NP_056374.2, residues 1170-1190): LSGLFAGKAT[Gly1180Val]FSSHILSERL